The following is an entry in ClinVar:

NM_138694.4(PKHD1):c.4329C>A (p.Cys1443Ter)

Gene: PKHD1 (PKHD1 ciliary IPT domain containing fibrocystin/polyductin; minus strand). Cytogenetic location: 6p12.2.
Variant type: single nucleotide variant.
Coding change: c.4329C>A on transcript NM_138694.4 (MANE Select); coding-DNA position 4329, C replaced by A.
Protein change: p.Cys1443Ter; replaces cysteine 1443 with a stop codon.
Molecular consequence: nonsense.
Genome position (GRCh38, 1-based): chr6:52,025,481, G>T on the plus strand (C>A on the coding strand, the complement: PKHD1 is on the minus strand). VCF-style: chr6-52025481-G-T. GRCh37 (hg19) VCF-style: chr6-51890279-G-T.
Other names: c.4329C>A, p.Cys1443Ter (NM_170724.3); short protein forms C1443*.
Identifiers: ClinVar variation 4816663 (VCV004816663.1).
Genomic context (GRCh38, chr6:52,025,481, plus strand): 5'-GACTGTGACGTTCAGGGAGAAGGAAGCTCCAGGCAAGGGGTCACCCTCCAGGCTAACCTG[G>T]CAGAGAATGGTGTGGTCTCCCAAACTCAAAATCACACAAGTAAAAGGACCCGAGAGGTCA-3'

ClinVar aggregate classification (germline): Likely pathogenic (1 of 4 stars; one submission).

Conditions:
Autosomal recessive polycystic kidney disease (ARPKD). Also called: AR polycystic kidney disease. Identifiers: Orphanet 731, Orphanet 8378, MedGen C0085548, MeSH D017044, MONDO:0009889.

Submission:

Natera, Inc.
Classification: Likely pathogenic for Autosomal recessive polycystic kidney disease. Last evaluated: 2024-11-04. Review status: criteria provided, single submitter. Criteria: Natera Variant Classification Schema (03/2026). Collection method: clinical testing. Allele origin: germline.
Comment: The c.4329C>A variant in PKHD1 is a nonsense variant predicted to introduce a stop codon at amino acid 1443. This variant is expected to result in nonsense mediated decay, truncation, or a dysfunctional protein product. This variant is rare in the general population with a frequency below the threshold expected for the associated phenotype(s). Given the available evidence, this variant is classified as Likely Pathogenic.